The following is an entry in ClinVar:

ClinVar aggregate classification (germline): Pathogenic (1 of 4 stars; one submission).

Submission:

Labcorp Genetics (formerly Invitae), Labcorp
Classification: Pathogenic. Last evaluated: 2021-05-14. Review status: criteria provided, single submitter. Criteria: Invitae Variant Classification Sherloc (09022015). Collection method: clinical testing. Allele origin: germline.
Comment: For these reasons, this variant has been classified as Pathogenic. This variant has not been reported in the literature in individuals with USH2A-related conditions. This variant is not present in population databases (ExAC no frequency). This sequence change creates a premature translational stop signal (p.Gln2472*) in the USH2A gene. It is expected to result in an absent or disrupted protein product. Loss-of-function variants in USH2A are known to be pathogenic (PMID: 10729113, 10909849, 20507924, 25649381).

Literature cited by the submitters: PubMed 10729113; PubMed 10909849; PubMed 20507924; PubMed 25649381.

NM_206933.4(USH2A):c.7414C>T (p.Gln2472Ter)

Gene: USH2A (usherin; minus strand). Cytogenetic location: 1q41.
Variant type: single nucleotide variant.
Coding change: c.7414C>T on transcript NM_206933.4 (MANE Select); coding-DNA position 7414, C replaced by T.
Protein change: p.Gln2472Ter; replaces glutamine 2472 with a stop codon.
Molecular consequence: nonsense.
Genome position (GRCh38, 1-based): chr1:215,900,792, G>A on the plus strand (C>T on the coding strand, the complement: USH2A is on the minus strand). VCF-style: chr1-215900792-G-A. GRCh37 (hg19) VCF-style: chr1-216074134-G-A.
Other names: short protein forms Q2472*.
Identifiers: ClinVar variation 1458934 (VCV001458934.6), dbSNP rs2102470145, ClinGen allele CA344849581.